The following is an entry in ClinVar:

NM_021120.4(DLG3):c.1153C>T (p.Arg385Cys)

Genes: DLG3 (discs large MAGUK scaffold protein 3; plus strand), DLG3-AS1 (DLG3 antisense RNA 1; minus strand). Cytogenetic location: Xq13.1.
Variant type: single nucleotide variant.
Coding change: c.1153C>T on transcript NM_021120.4 (MANE Select); coding-DNA position 1153, C replaced by T.
Protein change: p.Arg385Cys; replaces arginine 385 with cysteine.
Molecular consequence: missense variant.
Genome position (GRCh38, 1-based): chrX:70,453,644, C>T. VCF-style: chrX-70453644-C-T. GRCh37 (hg19) VCF-style: chrX-69673494-C-T.
Other names: c.142C>T, p.Arg48Cys (NM_020730.3); short protein forms R385C, R48C.
Identifiers: ClinVar variation 3770140 (VCV003770140.1).

ClinVar aggregate classification (germline): Uncertain significance (1 of 4 stars; one submission).

Conditions:
Intellectual developmental disorder, X-linked 90. Also called: DLG3-Related X-Linked Nonsyndromic Mental Retardation; Intellectual disability, X-linked 90. Identifiers: Orphanet 777, MedGen C3275443, MONDO:0010452, OMIM 300850.

gnomAD v4.1: 1 of 1,207,411 alleles (0.000083%); highest among the groups gnomAD compares: Non-Finnish European, 0.00011%; no homozygotes.

Submission:

Equipe Genetique des Anomalies du Developpement, Université de Bourgogne
Classification: Uncertain significance for Intellectual developmental disorder, X-linked 90. Last evaluated: 2025-01-31. Review status: criteria provided, single submitter. Criteria: ACMG Guidelines, 2015. Collection method: clinical testing. Allele origin: germline. Affected: yes.
Comment: This variant is a missense which replaces an arginine with a cysteine at position 385 and is present in the hemizygous state. Hemizygous pathogenic variants in DLG3 are reported in an autosomal dominant intellectual disability (OMIM #300850). This variant is present in one male individual in population database gnomAD (v4.1.0). It has not been reported in ClinVar and in the literature. In silico prediction scores are globally in favor of a damaging effect. Based on these evidences, the variant was classified as of uncertain significance.